The following is an entry in ClinVar:

NM_022367.4(SEMA4A):c.1590C>A (p.Asn530Lys)

Gene: SEMA4A (semaphorin 4A; plus strand). Cytogenetic location: 1q22.
Variant type: single nucleotide variant.
Coding change: c.1590C>A on transcript NM_022367.4 (MANE Select); coding-DNA position 1590, C replaced by A.
Protein change: p.Asn530Lys; replaces asparagine 530 with lysine.
Molecular consequence: missense variant.
Genome position (GRCh38, 1-based): chr1:156,175,241, C>A. VCF-style: chr1-156175241-C-A. GRCh37 (hg19) VCF-style: chr1-156145032-C-A.
Other names: c.1590C>A, p.Asn530Lys (NM_001193300.2, NM_001193301.2, NM_001370567.1); c.1194C>A, p.Asn398Lys (NM_001193302.2); c.1293C>A, p.Asn431Lys (NM_001370568.1); c.1083C>A, p.Asn361Lys (NM_001370569.1, NM_001370571.1); short protein forms N530K, N361K, N431K, N398K.
Identifiers: ClinVar variation 1957456 (VCV001957456.5), dbSNP rs1395173123, ClinGen allele CA342809787.

ClinVar aggregate classification (germline): Uncertain significance (1 of 4 stars; one submission).

Allele frequency attached by ClinVar (database versions not stated): TOPMed below 0.00001; gnomAD exomes 0.00002.
gnomAD v4.1: 26 of 1,611,006 alleles (0.0016%); highest among the groups gnomAD compares: Non-Finnish European, 0.0022%; no homozygotes.

Submission:

Labcorp Genetics (formerly Invitae), Labcorp
Classification: Uncertain significance. Last evaluated: 2022-03-13. Review status: criteria provided, single submitter. Criteria: Invitae Variant Classification Sherloc (09022015). Collection method: clinical testing. Allele origin: germline.
Comment: In summary, the available evidence is currently insufficient to determine the role of this variant in disease. Therefore, it has been classified as a Variant of Uncertain Significance. Algorithms developed to predict the effect of missense changes on protein structure and function (SIFT, PolyPhen-2, Align-GVGD) all suggest that this variant is likely to be tolerated. This variant has not been reported in the literature in individuals affected with SEMA4A-related conditions. This variant is not present in population databases (gnomAD no frequency). This sequence change replaces asparagine, which is neutral and polar, with lysine, which is basic and polar, at codon 530 of the SEMA4A protein (p.Asn530Lys).